The following is an entry in ClinVar:

NM_024598.4(USB1):c.205G>A (p.Gly69Arg)

Gene: USB1 (U6 snRNA biogenesis phosphodiesterase 1; plus strand). Cytogenetic location: 16q21.
Variant type: single nucleotide variant.
Coding change: c.205G>A on transcript NM_024598.4 (MANE Select); coding-DNA position 205, G replaced by A.
Protein change: p.Gly69Arg; replaces glycine 69 with arginine.
Molecular consequence: missense variant.
Genome position (GRCh38, 1-based): chr16:58,002,585, G>A. VCF-style: chr16-58002585-G-A. GRCh37 (hg19) VCF-style: chr16-58036489-G-A.
Other names: c.205G>A, p.Gly69Arg (NM_001195302.2, NM_001330569.2, NM_001204911.2); c.52G>A, p.Gly18Arg (NM_001330568.2); short protein forms G18R, G69R.
Identifiers: ClinVar variation 2890125 (VCV002890125.4), dbSNP rs762121009, ClinGen allele CA8084829.
Genomic context (GRCh38, chr16:58,002,585, plus strand): 5'-GTGCTGAACATGTTCCCGGGCACCGAGGAGGGGCCTGAAGATGACAGCACAAAACACGGG[G>A]GACGGGTGCGCACCTTCCCCCACGAGCGAGGCAACTGGGCCACCCACGTCTATGTACCAT-3'
Protein context (NP_078874.2, residues 59-79): GPEDDSTKHG[Gly69Arg]RVRTFPHERG

ClinVar aggregate classification (germline): Uncertain significance. Review status: criteria provided, multiple submitters, no conflicts (2 of 4 stars). 2 submissions from 2 submitters: Uncertain significance (2). Last evaluated 2024-11-18.

Conditions:
Inborn genetic diseases. Identifiers: MedGen C0950123, MeSH D030342.

Allele frequency attached by ClinVar (database versions not stated): ExAC 0.00001; gnomAD exomes below 0.00001.
gnomAD v4.1: 1 of 1,614,088 alleles (0.000062%); highest among the groups gnomAD compares: Admixed American, 0.0017%; no homozygotes.

Submissions (2):

Ambry Genetics
Classification: Uncertain significance for Inborn genetic diseases. Last evaluated: 2024-11-18. Review status: criteria provided, single submitter. Criteria: Ambry Variant Classification Scheme 2023. Collection method: clinical testing. Allele origin: germline.
Comment: The p.G69R variant (also known as c.205G>A), located in coding exon 2 of the USB1 gene, results from a G to A substitution at nucleotide position 205. The glycine at codon 69 is replaced by arginine, an amino acid with dissimilar properties. This amino acid position is conserved. In addition, this alteration is predicted to be deleterious by in silico analysis. Based on the available evidence, the clinical significance of this variant remains unclear.

Labcorp Genetics (formerly Invitae), Labcorp
Classification: Uncertain significance. Last evaluated: 2023-08-14. Review status: criteria provided, single submitter. Criteria: Invitae Variant Classification Sherloc (09022015). Collection method: clinical testing. Allele origin: germline.
Comment: Advanced modeling of protein sequence and biophysical properties (such as structural, functional, and spatial information, amino acid conservation, physicochemical variation, residue mobility, and thermodynamic stability) performed at Invitae indicates that this missense variant is expected to disrupt USB1 protein function. This variant has not been reported in the literature in individuals affected with USB1-related conditions. This variant is present in population databases (rs762121009, gnomAD 0.003%). This sequence change replaces glycine, which is neutral and non-polar, with arginine, which is basic and polar, at codon 69 of the USB1 protein (p.Gly69Arg). In summary, the available evidence is currently insufficient to determine the role of this variant in disease. Therefore, it has been classified as a Variant of Uncertain Significance.